The following is an entry in ClinVar:

NM_000124.4(ERCC6):c.1337G>A (p.Gly446Asp)

Genes: PGBD3 (piggyBac transposable element derived 3; minus strand), ERCC6 (ERCC excision repair 6, chromatin remodeling factor; minus strand). Cytogenetic location: 10q11.23.
Variant type: single nucleotide variant.
Coding change: c.1337G>A on transcript NM_000124.4 (MANE Select); coding-DNA position 1337, G replaced by A.
Protein change: p.Gly446Asp; replaces glycine 446 with aspartic acid.
Molecular consequence: missense variant. On other transcripts: 5 prime UTR variant (1).
Genome position (GRCh38, 1-based): chr10:49,524,093, C>T on the plus strand (G>A on the coding strand, the complement: ERCC6 is on the minus strand). VCF-style: chr10-49524093-C-T. GRCh37 (hg19) VCF-style: chr10-50732139-C-T.
Other names: c.1337G>A, p.Gly446Asp (NM_001277058.2, NM_001277059.2, NM_001346440.2); c.-68G>A (NM_170753.3); short protein forms G446D.
Identifiers: ClinVar variation 235642 (VCV000235642.51), dbSNP rs4253047, ClinGen allele CA5496347.
Genomic context (GRCh38, chr10:49,524,093, plus strand): 5'-CTTAACCGCTGCTTATAATAATCTTCATCTCCATCATCTCGGTATCTTCCCACTTTCCGA[C>T]CTCCTCCTCCTCCTTCTCCTACAGAAGCAGCTTCAGCTTCTTCCCCAGAACTTGGGAAAA-3'
Protein context (NP_000115.1, residues 436-456): AASVGEGGGG[Gly446Asp]RKVGRYRDDG

ClinVar aggregate classification (germline): Benign/Likely benign. Review status: criteria provided, multiple submitters, no conflicts (2 of 4 stars). 7 submissions from 7 submitters: Benign (3); Likely benign (2). 2 of the submissions do not count toward it. Last evaluated 2026-02-04.

Allele frequency attached by ClinVar (database versions not stated): 1000 Genomes Project 30x 0.00500; 1000 Genomes Project 0.00559; TOPMed 0.00870; ExAC 0.00946; gnomAD exomes 0.00953 and 0.01410; gnomAD 0.00982 and 0.01008; ESP Exome Variant Server 0.01053.
gnomAD v4.1: 21,895 of 1,612,966 alleles (1.4%); highest among the groups gnomAD compares: Non-Finnish European, 1.6%; 163 homozygotes.

Submissions (7):

Labcorp Genetics (formerly Invitae), Labcorp
Classification: Benign. Last evaluated: 2026-02-04. Review status: criteria provided, single submitter. Criteria: Invitae Variant Classification Sherloc (09022015). Collection method: clinical testing. Allele origin: germline.

CeGaT Center for Human Genetics Tuebingen
Classification: Benign. Last evaluated: 2024-06-01. Review status: criteria provided, single submitter. Criteria: CeGaT Center For Human Genetics Tuebingen Variant Classification Criteria Version 2. Collection method: clinical testing. Allele origin: germline. Affected: yes. Observed: 14 variant alleles.
Comment: ERCC6: BP4, BS1, BS2; PGBD3: BS1, BS2

GeneDx
Classification: Likely benign. Last evaluated: 2021-05-25. Review status: criteria provided, single submitter. Criteria: GeneDx Variant Classification Process June 2021. Collection method: clinical testing. Allele origin: germline. Affected: yes.

Center for Pediatric Genomic Medicine, Children's Mercy Hospital and Clinics
Classification: Likely benign. Last evaluated: 2015-08-19. Review status: criteria provided, single submitter. Criteria: ACMG Guidelines, 2015. Collection method: clinical testing. Allele origin: germline.
ClinVar note: Converted during submission from Likely Benign to Likely benign.

PreventionGenetics, part of Exact Sciences
Classification: Benign. Review status: criteria provided, single submitter. Criteria: ACMG Guidelines, 2015. Collection method: clinical testing. Allele origin: germline.

Diagnostic Laboratory, Department of Genetics, University Medical Center Groningen
Classification: Likely benign. Review status: no assertion criteria provided. Collection method: clinical testing. Allele origin: germline. Affected: yes. Study: VKGL Data-share Consensus. Not counted in ClinVar's aggregate classification.

Laboratory of Diagnostic Genome Analysis, Leiden University Medical Center (LUMC)
Classification: Likely benign. Review status: no assertion criteria provided. Collection method: clinical testing. Allele origin: germline. Affected: yes. Study: VKGL Data-share Consensus. Not counted in ClinVar's aggregate classification.